The following is an entry in ClinVar:

NM_052876.4(NACC1):c.1551C>T (p.Gly517=)

Gene: NACC1 (nucleus accumbens associated 1; plus strand). Cytogenetic location: 19p13.13.
Variant type: single nucleotide variant.
Coding change: c.1551C>T on transcript NM_052876.4 (MANE Select); coding-DNA position 1551, C replaced by T.
Protein change: p.Gly517=; no amino-acid change (glycine 517 retained).
Molecular consequence: synonymous variant.
Genome position (GRCh38, 1-based): chr19:13,138,373, C>T. VCF-style: chr19-13138373-C-T. GRCh37 (hg19) VCF-style: chr19-13249187-C-T.
Identifiers: ClinVar variation 3015718 (VCV003015718.3), dbSNP rs1218561289, ClinGen allele CA505654706.
Genomic context (GRCh38, chr19:13,138,373, plus strand): 5'-CAAGATCGAGCCGGACATGATGGGTGTGGAGCATGGCTTCGAGACCGCCAGCCACGAGGG[C>T]GAGGCGGGTCCCTCGGCTGAAGCCCTGCAGTAACCCGCCCAGCCTCCCGCGGGGCCACAC-3'
Protein context (NP_443108.1, residues 507-527): EHGFETASHE[Gly517=]EAGPSAEALQ

ClinVar aggregate classification (germline): Uncertain significance (1 of 4 stars; one submission).

Allele frequency attached by ClinVar (database versions not stated): TOPMed below 0.00001; gnomAD 0.00001.
gnomAD v4.1: 15 of 1,612,766 alleles (0.00093%); highest among the groups gnomAD compares: Admixed American, 0.005%; no homozygotes.

Submission:

Labcorp Genetics (formerly Invitae), Labcorp
Classification: Uncertain significance. Last evaluated: 2023-08-10. Review status: criteria provided, single submitter. Criteria: Invitae Variant Classification Sherloc (09022015). Collection method: clinical testing. Allele origin: germline.
Comment: This sequence change affects codon 517 of the NACC1 mRNA. It is a 'silent' change, meaning that it does not change the encoded amino acid sequence of the NACC1 protein. This variant is present in population databases (no rsID available, gnomAD 0.006%). This variant has not been reported in the literature in individuals affected with NACC1-related conditions. Algorithms developed to predict the effect of sequence changes on RNA splicing suggest that this variant may create or strengthen a splice site. In summary, the available evidence is currently insufficient to determine the role of this variant in disease. Therefore, it has been classified as a Variant of Uncertain Significance.